The following is an entry in ClinVar:

NM_018105.3(THAP1):c.590G>A (p.Gly197Asp)

Gene: THAP1 (THAP domain containing 1; minus strand). Cytogenetic location: 8p11.21.
Variant type: single nucleotide variant.
Coding change: c.590G>A on transcript NM_018105.3 (MANE Select); coding-DNA position 590, G replaced by A.
Protein change: p.Gly197Asp; replaces glycine 197 with aspartic acid.
Molecular consequence: missense variant. On other transcripts: 3 prime UTR variant (1).
Genome position (GRCh38, 1-based): chr8:42,838,014, C>T on the plus strand (G>A on the coding strand, the complement: THAP1 is on the minus strand). VCF-style: chr8-42838014-C-T. GRCh37 (hg19) VCF-style: chr8-42693157-C-T.
Other names: c.*232G>A (NM_199003.2); short protein forms G197D.
Identifiers: ClinVar variation 448686 (VCV000448686.50), dbSNP rs140694378, ClinGen allele CA4734517.

ClinVar aggregate classification (germline): Conflicting classifications of pathogenicity. Review status: criteria provided, conflicting classifications (1 of 4 stars). 5 submissions from 5 submitters: Uncertain significance (3); Likely benign (2). Last evaluated 2025-11-12.

Conditions:
Inborn genetic diseases. Identifiers: MedGen C0950123, MeSH D030342.
Torsion dystonia 6 (DYT6). Also called: DYT-THAP1. Identifiers: Orphanet 98806, MedGen C1414216, MONDO:0011264, OMIM 602629.

Allele frequency attached by ClinVar (database versions not stated): gnomAD 0.00007 and 0.00008; ExAC 0.00009; TOPMed 0.00009; gnomAD exomes 0.00011 and 0.00019; ESP Exome Variant Server 0.00015.

Submissions (5):

Ambry Genetics
Classification: Uncertain significance for Inborn genetic diseases. Last evaluated: 2025-11-12. Review status: criteria provided, single submitter. Criteria: Ambry Variant Classification Scheme 2023. Collection method: clinical testing. Allele origin: germline.

Labcorp Genetics (formerly Invitae), Labcorp
Classification: Uncertain significance for Torsion dystonia 6. Last evaluated: 2024-10-29. Review status: criteria provided, single submitter. Criteria: Invitae Variant Classification Sherloc (09022015). Collection method: clinical testing. Allele origin: germline.
Comment: This sequence change replaces glycine, which is neutral and non-polar, with aspartic acid, which is acidic and polar, at codon 197 of the THAP1 protein (p.Gly197Asp). This variant is present in population databases (rs140694378, gnomAD 0.02%). This variant has not been reported in the literature in individuals affected with THAP1-related conditions. ClinVar contains an entry for this variant (Variation ID: 448686). An algorithm developed to predict the effect of missense changes on protein structure and function (PolyPhen-2) suggests that this variant is likely to be disruptive. In summary, the available evidence is currently insufficient to determine the role of this variant in disease. Therefore, it has been classified as a Variant of Uncertain Significance.

GeneDx
Classification: Likely benign. Last evaluated: 2018-12-31. Review status: criteria provided, single submitter. Criteria: GeneDx Variant Classification Process June 2021. Collection method: clinical testing. Allele origin: germline. Affected: yes.
Comment: See Variant Classification Assertion Criteria.

CeGaT Center for Human Genetics Tuebingen
Classification: Uncertain significance. Last evaluated: 2018-09-01. Review status: criteria provided, single submitter. Criteria: CeGaT Center For Human Genetics Tuebingen Variant Classification Criteria Version 2. Collection method: clinical testing. Allele origin: germline. Affected: yes. Observed: 1 variant allele.

Athena Diagnostics
Classification: Likely benign. Last evaluated: 2017-04-18. Review status: criteria provided, single submitter. Criteria: Athena Diagnostics Criteria. Collection method: clinical testing. Allele origin: germline.